The following is an entry in ClinVar:

NM_022840.5(METTL4):c.829+1G>A

Gene: METTL4 (methyltransferase 4, N6-adenosine; minus strand). Cytogenetic location: 18p11.32.
Variant type: single nucleotide variant.
Coding change: c.829+1G>A on transcript NM_022840.5 (MANE Select); the canonical splice donor site of the intron after coding-DNA position 829, G replaced by A.
Molecular consequence: splice donor variant.
Genome position (GRCh38, 1-based): chr18:2,554,668, C>T on the plus strand (G>A on the coding strand, the complement: METTL4 is on the minus strand). VCF-style: chr18-2554668-C-T. GRCh37 (hg19) VCF-style: chr18-2554667-C-T.
Other names: c.829+1G>A (NM_001308401.2).
Identifiers: ClinVar variation 2151240 (VCV002151240.2), dbSNP rs148311311, ClinGen allele CA8869678.

ClinVar aggregate classification (germline): Likely pathogenic (1 of 4 stars; one submission).

Allele frequency attached by ClinVar (database versions not stated): ExAC 0.00003; gnomAD 0.00006; ESP Exome Variant Server 0.00008.
gnomAD v4.1: 100 of 1,586,770 alleles (0.0063%); highest among the groups gnomAD compares: Non-Finnish European, 0.0078%; no homozygotes.

Submissions (2):

Labcorp Genetics (formerly Invitae), Labcorp
Classification: Likely pathogenic. Last evaluated: 2022-06-27. Review status: criteria provided, single submitter. Criteria: Invitae Variant Classification Sherloc (09022015). Collection method: clinical testing. Allele origin: germline.
Comment: This sequence change affects a donor splice site in intron 4 of the METTL4 gene. It is expected to disrupt RNA splicing. Variants that disrupt the donor or acceptor splice site typically lead to a loss of protein function (PMID: 16199547), and loss-of-function variants in METTL4 are known to be pathogenic (PMID: 27457812, 34452636). This variant is present in population databases (rs148311311, gnomAD 0.006%). This variant has not been reported in the literature in individuals affected with METTL4-related conditions. Algorithms developed to predict the effect of sequence changes on RNA splicing suggest that this variant may disrupt the consensus splice site. In summary, the currently available evidence indicates that the variant is pathogenic, but additional data are needed to prove that conclusively. Therefore, this variant has been classified as Likely Pathogenic.

Dr. Peter K. Rogan Lab, Western University
No classification provided (evidence only). Condition: Clear cell carcinoma of kidney. Review status: no classification provided. Collection method: in vitro. Allele origin: not applicable. Functional consequence: skipped exon. Not counted in ClinVar's aggregate classification.

Literature cited by the submitters: PubMed 16199547 (cited by Labcorp Genetics (formerly Invitae), Labcorp); PubMed 27457812 (cited by Labcorp Genetics (formerly Invitae), Labcorp); PubMed 34452636 (cited by Labcorp Genetics (formerly Invitae), Labcorp).